The following is an entry in ClinVar:

ClinVar aggregate classification (germline): Uncertain significance (1 of 4 stars; one submission).

Conditions:
Aicardi-Goutieres syndrome 5. Identifiers: Orphanet 51, MedGen C2749659, MONDO:0013059, OMIM 612952.

Allele frequency attached by ClinVar (database versions not stated): ExAC 0.00002; gnomAD exomes 0.00002; gnomAD 0.00003 and 0.00004; TOPMed 0.00005; ESP Exome Variant Server 0.00008.
gnomAD v4.1: 27 of 1,610,846 alleles (0.0017%); highest among the groups gnomAD compares: Non-Finnish European, 0.0022%; no homozygotes.

Submission:

Labcorp Genetics (formerly Invitae), Labcorp
Classification: Uncertain significance for Aicardi-Goutieres syndrome 5. Last evaluated: 2022-08-07. Review status: criteria provided, single submitter. Criteria: Invitae Variant Classification Sherloc (09022015). Collection method: clinical testing. Allele origin: germline.
Comment: This sequence change replaces phenylalanine, which is neutral and non-polar, with isoleucine, which is neutral and non-polar, at codon 498 of the SAMHD1 protein (p.Phe498Ile). This variant is present in population databases (rs145323435, gnomAD 0.007%). This variant has not been reported in the literature in individuals affected with SAMHD1-related conditions. ClinVar contains an entry for this variant (Variation ID: 1503249). Algorithms developed to predict the effect of missense changes on protein structure and function are either unavailable or do not agree on the potential impact of this missense change (SIFT: "Deleterious"; PolyPhen-2: "Benign"; Align-GVGD: "Class C0"). In summary, the available evidence is currently insufficient to determine the role of this variant in disease. Therefore, it has been classified as a Variant of Uncertain Significance.

NM_015474.4(SAMHD1):c.1492T>A (p.Phe498Ile)

Gene: SAMHD1 (SAM and HD domain containing deoxynucleoside triphosphate triphosphohydrolase 1; minus strand). Cytogenetic location: 20q11.23.
Variant type: single nucleotide variant.
Coding change: c.1492T>A on transcript NM_015474.4 (MANE Select); coding-DNA position 1492, T replaced by A.
Protein change: p.Phe498Ile; replaces phenylalanine 498 with isoleucine.
Molecular consequence: missense variant.
Genome position (GRCh38, 1-based): chr20:36,904,168, A>T on the plus strand (T>A on the coding strand, the complement: SAMHD1 is on the minus strand). VCF-style: chr20-36904168-A-T. GRCh37 (hg19) VCF-style: chr20-35532571-A-T.
Other names: c.1492T>A, p.Phe498Ile (NM_001363729.2, NM_001363733.2); short protein forms F498I.
Identifiers: ClinVar variation 1503249 (VCV001503249.3), dbSNP rs145323435, ClinGen allele CA9844495.